The following is an entry in ClinVar:

NM_020686.6(ABAT):c.618C>T (p.Pro206=)

Gene: ABAT (4-aminobutyrate aminotransferase; plus strand). Cytogenetic location: 16p13.2.
Variant type: single nucleotide variant.
Coding change: c.618C>T on transcript NM_020686.6 (MANE Select); coding-DNA position 618, C replaced by T.
Protein change: p.Pro206=; no amino-acid change (proline 206 retained).
Molecular consequence: synonymous variant.
Genome position (GRCh38, 1-based): chr16:8,768,207, C>T. VCF-style: chr16-8768207-C-T. GRCh37 (hg19) VCF-style: chr16-8862064-C-T.
Other names: c.618C>T, p.Pro206= (NM_000663.5, NM_001127448.2, NM_001386600.1 and 7 more transcripts); c.555C>T, p.Pro185= (NM_001386606.1, NM_001386607.1); c.525C>T, p.Pro175= (NM_001386608.1); c.483C>T, p.Pro161= (NM_001386610.1, NM_001386611.1); c.420C>T, p.Pro140= (NM_001386612.1, NM_001386613.1); c.372C>T, p.Pro124= (NM_001386614.1); c.714C>T, p.Pro238= (NM_001386615.1).
Identifiers: ClinVar variation 712761 (VCV000712761.16), dbSNP rs373357773, ClinGen allele CA7893230.

ClinVar aggregate classification (germline): Benign/Likely benign. Review status: criteria provided, multiple submitters, no conflicts (2 of 4 stars). 3 submissions from 3 submitters: Benign (1); Likely benign (2). Last evaluated 2026-03-01.

Conditions:
Gamma-aminobutyric acid transaminase deficiency (GABATD). Also called: GABA transaminase deficiency; Gamma aminobutyrate transaminase deficiency; 4 alpha aminobutyrate transaminase deficiency; GABA aminotransaminase deficiency. Identifiers: Orphanet 2066, MedGen C0342708, MONDO:0013166, OMIM 613163.

Allele frequency attached by ClinVar (database versions not stated): gnomAD 0.00001 and 0.00002; TOPMed 0.00002; ExAC 0.00007; ESP Exome Variant Server 0.00008.
gnomAD v4.1: 33 of 1,613,948 alleles (0.002%); highest among the groups gnomAD compares: Admixed American, 0.033%; no homozygotes.

Submissions (3):

CeGaT Center for Human Genetics Tuebingen
Classification: Likely benign. Last evaluated: 2026-03-01. Review status: criteria provided, single submitter. Criteria: CeGaT Center For Human Genetics Tuebingen Variant Classification Criteria Version 2. Collection method: clinical testing. Allele origin: germline. Affected: yes. Observed: 1 variant allele.
Comment: ABAT: BP4, BP7

Athena Diagnostics
Classification: Benign. Last evaluated: 2025-03-27. Review status: criteria provided, single submitter. Criteria: Athena Diagnostics Criteria. Collection method: clinical testing. Allele origin: unknown.
Comment: The frequency of this variant in the general population is higher than would generally be expected for pathogenic variants in this gene. Computational tools yielded predictions that this variant is unlikely to have an effect on normal RNA splicing. This nucleotide position exhibits low evolutionary conservation.

Labcorp Genetics (formerly Invitae), Labcorp
Classification: Likely benign for Gamma-aminobutyric acid transaminase deficiency. Last evaluated: 2025-02-08. Review status: criteria provided, single submitter. Criteria: Invitae Variant Classification Sherloc (09022015). Collection method: clinical testing. Allele origin: germline.